The following is an entry in ClinVar:

ClinVar aggregate classification (germline): Uncertain significance (1 of 4 stars; one submission).

Allele frequency attached by ClinVar (database versions not stated): gnomAD exomes below 0.00001; ExAC 0.00001.
gnomAD v4.1: 1 of 1,613,992 alleles (0.000062%); highest among the groups gnomAD compares: South Asian, 0.0011%; no homozygotes.

Submission:

GeneDx
Classification: Uncertain significance. Last evaluated: 2022-04-15. Review status: criteria provided, single submitter. Criteria: GeneDx Variant Classification Process June 2021. Collection method: clinical testing. Allele origin: germline. Affected: yes.
Comment: Not observed at significant frequency in large population cohorts (gnomAD); In silico analysis supports that this missense variant has a deleterious effect on protein structure/function; Has not been previously published as pathogenic or benign to our knowledge

NM_020320.5(RARS2):c.613G>T (p.Val205Phe)

Gene: RARS2 (arginyl-tRNA synthetase 2, mitochondrial; minus strand). Cytogenetic location: 6q15.
Variant type: single nucleotide variant.
Coding change: c.613G>T on transcript NM_020320.5 (MANE Select); coding-DNA position 613, G replaced by T.
Protein change: p.Val205Phe; replaces valine 205 with phenylalanine.
Molecular consequence: missense variant. On other transcripts: non-coding transcript variant (23).
Genome position (GRCh38, 1-based): chr6:87,530,942, C>A on the plus strand (G>T on the coding strand, the complement: RARS2 is on the minus strand). VCF-style: chr6-87530942-C-A. GRCh37 (hg19) VCF-style: chr6-88240660-C-A.
Other names: c.88G>T, p.Val30Phe (NM_001318785.2, NM_001350506.2, NM_001350507.2 and 4 more transcripts); c.613G>T, p.Val205Phe (NM_001350505.2); short protein forms V205F, V30F.
Identifiers: ClinVar variation 1710730 (VCV001710730.2), dbSNP rs764110195, ClinGen allele CA3916562.
Genomic context (GRCh38, chr6:87,530,942, plus strand): 5'-CCTGTGCTGCTTTTGCTACACTTTTATCATCTGCTGCTTCTTTATTAACTTGTACATAAA[C>A]CTAAAAGTACAATAGTACATTAAATGAAGTACATAACAGGTCATTGTTATCTCTAACACG-3'
Protein context (NP_064716.2, residues 195-215): QSNPLQHLFE[Val205Phe]YVQVNKEAAD